The following is an entry in ClinVar:

NM_000059.4(BRCA2):c.7805+507A>G

Gene: BRCA2 (BRCA2 DNA repair associated; plus strand). Cytogenetic location: 13q13.1.
Variant type: single nucleotide variant.
Coding change: c.7805+507A>G on transcript NM_000059.4 (MANE Select); 507 bases into the intron after coding-DNA position 7805, A replaced by G.
Molecular consequence: intron variant.
Genome position (GRCh38, 1-based): chr13:32,358,436, A>G. VCF-style: chr13-32358436-A-G. GRCh37 (hg19) VCF-style: chr13-32932573-A-G.
Identifiers: ClinVar variation 264933 (VCV000264933.1), dbSNP rs567772904, ClinGen allele CA10588123.

ClinVar aggregate classification (germline): Benign (3 of 4 stars; one submission).

Conditions:
Breast-ovarian cancer, familial, susceptibility to, 2 (BROVCA2). Also called: BRCA2 Hereditary Breast and Ovarian Cancer. Identifiers: Orphanet 145, MedGen C2675520, MONDO:0012933, OMIM 612555. Disease mechanism: loss of function.

Allele frequency attached by ClinVar (database versions not stated): gnomAD 0.00181 and 0.00189; TOPMed 0.00220; 1000 Genomes Project 0.00319; 1000 Genomes Project 30x 0.00328.
gnomAD v4.1: 267 of 150,234 alleles (0.18%); highest among the groups gnomAD compares: African/African-American, 0.63%; 1 homozygote.

Submission:

Evidence-based Network for the Interpretation of Germline Mutant Alleles (ENIGMA)
Classification: Benign for Breast-ovarian cancer, familial, susceptibility to, 2. Last evaluated: 2016-09-28. Review status: reviewed by expert panel. Criteria: ENIGMA BRCA1/2 Classification Criteria (2015). Collection method: curation. Allele origin: germline.
Comment: Class 1 not pathogenic based on frequency >1% in an outbred sampleset. Frequency 0.0121 (African), derived from 1000 genomes (2013-05-02).